The following is an entry in ClinVar:

ClinVar aggregate classification (germline): Conflicting classifications of pathogenicity. Review status: criteria provided, conflicting classifications (1 of 4 stars). 3 submissions from 3 submitters: Uncertain significance (1); Likely benign (1). 1 of the submissions does not count toward it. Last evaluated 2026-02-04.

Conditions:
PKD1-related disorder. Also called: PKD1-related condition.
Polycystic kidney disease, adult type (PKD1). Also called: Polycystic Kidney Disease 1, Autosomal Dominant; Polycystic kidney disease 1; Polycystic kidney disease 1, severe; Polycystic Kidney, Autosomal Dominant; POLYCYSTIC KIDNEY DISEASE 1 WITH OR WITHOUT POLYCYSTIC LIVER DISEASE; POLYCYSTIC KIDNEY DISEASE, ADULT, TYPE I. Identifiers: MedGen C3149841, MONDO:0008263, OMIM 173900.

gnomAD v4.1: 147 of 1,609,518 alleles (0.0091%); highest among the groups gnomAD compares: African/African-American, 0.013%; no homozygotes.

Submissions (3):

Women's Health and Genetics/Laboratory Corporation of America, LabCorp
Classification: Likely benign. Last evaluated: 2026-02-04. Review status: criteria provided, single submitter. Criteria: LabCorp Variant Classification Summary - May 2015. Collection method: clinical testing. Allele origin: germline.

Fulgent Genetics
Classification: Uncertain significance for Polycystic kidney disease, adult type. Last evaluated: 2024-04-08. Review status: criteria provided, single submitter. Criteria: ACMG Guidelines, 2015. Collection method: clinical testing. Allele origin: germline.

PreventionGenetics, part of Exact Sciences
Classification: Likely benign for PKD1-related condition. Last evaluated: 2023-09-06. Review status: no assertion criteria provided. Collection method: clinical testing. Allele origin: germline. Not counted in ClinVar's aggregate classification.
Comment: This variant is classified as likely benign based on ACMG/AMP sequence variant interpretation guidelines (Richards et al. 2015 PMID: 25741868, with internal and published modifications).

NM_001009944.3(PKD1):c.5031C>T (p.Ala1677=)

Gene: PKD1 (polycystin 1, transient receptor potential channel interacting; minus strand). Cytogenetic location: 16p13.3.
Variant type: single nucleotide variant.
Coding change: c.5031C>T on transcript NM_001009944.3 (MANE Select); coding-DNA position 5031, C replaced by T.
Protein change: p.Ala1677=; no amino-acid change (alanine 1677 retained).
Molecular consequence: synonymous variant.
Genome position (GRCh38, 1-based): chr16:2,110,136, G>A on the plus strand (C>T on the coding strand, the complement: PKD1 is on the minus strand). VCF-style: chr16-2110136-G-A. GRCh37 (hg19) VCF-style: chr16-2160137-G-A.
Other names: c.5031C>T, p.Ala1677= (NM_000296.4).
Identifiers: ClinVar variation 3036674 (VCV003036674.4), dbSNP rs551270517, ClinGen allele CA7832154.
Genomic context (GRCh38, chr16:2,110,136, plus strand): 5'-CAGCTGCACATGGTAGGTGCCGGCCTCGAGCACGGTGAGCGAGAAGCCTTTGCCGCTGCC[G>A]GCCAGGGCCGGGCCCCTGTCCCTCCAGGCAGTCCAGCTGTAGGAGACGTTGGTGCCATCC-3'
Protein context (NP_001009944.3, residues 1667-1687): TAWRDRGPAL[Ala1677=]GSGKGFSLTV